The following is an entry in ClinVar:

ClinVar aggregate classification (germline): Likely benign (0 of 4 stars; one submission).

Conditions:
PEAK1-related disorder. Also called: PEAK1-related condition.

Allele frequency attached by ClinVar (database versions not stated): ESP Exome Variant Server 0.00008; ExAC 0.00012; TOPMed 0.00012; gnomAD 0.00013; 1000 Genomes Project 0.00040; 1000 Genomes Project 30x 0.00047.
gnomAD v4.1: 97 of 1,614,218 alleles (0.006%); highest among the groups gnomAD compares: Middle Eastern, 0.38%; no homozygotes.

Submission:

PreventionGenetics, part of Exact Sciences
Classification: Likely benign for PEAK1-related condition. Last evaluated: 2019-06-07. Review status: no assertion criteria provided. Collection method: clinical testing. Allele origin: germline.
Comment: This variant is classified as likely benign based on ACMG/AMP sequence variant interpretation guidelines (Richards et al. 2015 PMID: 25741868, with internal and published modifications).

NM_001385026.1(PEAK1):c.3714A>G (p.Leu1238=)

Gene: PEAK1 (pseudopodium enriched atypical kinase 1; minus strand). Cytogenetic location: 15q24.3.
Variant type: single nucleotide variant.
Coding change: c.3714A>G on transcript NM_001385026.1 (MANE Select); coding-DNA position 3714, A replaced by G.
Protein change: p.Leu1238=; no amino-acid change (leucine 1238 retained).
Molecular consequence: synonymous variant.
Genome position (GRCh38, 1-based): chr15:77,133,368, T>C on the plus strand (A>G on the coding strand, the complement: PEAK1 is on the minus strand). VCF-style: chr15-77133368-T-C. GRCh37 (hg19) VCF-style: chr15-77425710-T-C.
Other names: c.3714A>G, p.Leu1238= (NM_001387085.1, NM_001387086.1, NM_024776.5).
Identifiers: ClinVar variation 3044499 (VCV003044499.2), dbSNP rs184935666, ClinGen allele CA7676726.